The following is an entry in ClinVar:

ClinVar aggregate classification (germline): Likely pathogenic (1 of 4 stars; one submission).

Conditions:
Zellweger spectrum disorders (ZS). Also called: Zellweger Spectrum Disorder (ZSD); Zellweger syndrome; Zellweger Spectrum Disorder; Zellweger Spectrum. Identifiers: Orphanet 912, MedGen C0043459, MONDO:0019609.

Submission:

Natera, Inc.
Classification: Likely pathogenic for Zellweger syndrome. Last evaluated: 2024-10-14. Review status: criteria provided, single submitter. Criteria: Natera Variant Classification Schema (03/2026). Collection method: clinical testing. Allele origin: germline.
Comment: The c.3505dup variant in PEX1 is a frameshift variant predicted to shift the reading frame beginning at codon 1169 and leads to a stop codon 62 codons downstream. This variant is expected to result in nonsense mediated decay, truncation, or a dysfunctional protein product. This variant is rare in the general population with a frequency below the threshold expected for the associated phenotype(s). Given the available evidence, this variant is classified as Likely Pathogenic.

NM_000466.3(PEX1):c.3505dup (p.Gln1169fs)

Genes: PEX1 (peroxisomal biogenesis factor 1; minus strand), GATAD1 (GATA zinc finger domain containing 1; plus strand). Cytogenetic location: 7q21.2.
Variant type: Duplication.
Coding change: c.3505dup on transcript NM_000466.3 (MANE Select); coding-DNA position 3505, one base duplicated (C; older notation c.3505dupC).
Protein change: p.Gln1169fs; shifts the reading frame from glutamine 1169.
Molecular consequence: frameshift variant.
Genome position (GRCh38, 1-based): chr7:92,489,845, G duplicated on the plus strand (C on the coding strand, the reverse complement: PEX1 is on the minus strand); the first of 2 consecutive G bases (chr7:92,489,845-92,489,846); duplicating either gives the same sequence. VCF-style (leftmost placement, unchanged base first): chr7-92489844-T-TG. GRCh37 (hg19) VCF-style: chr7-92119158-T-TG.
Other names: c.3334dup, p.Gln1112fs (NM_001282677.2); c.2881dup, p.Gln961fs (NM_001282678.2); short protein forms Q1112fs, Q1169fs, Q961fs.
Identifiers: ClinVar variation 4818406 (VCV004818406.1).